The following is an entry in ClinVar:

NM_152564.5(VPS13B):c.10169C>G (p.Thr3390Arg)

Gene: VPS13B (vacuolar protein sorting 13 homolog B; plus strand). Cytogenetic location: 8q22.2.
Variant type: single nucleotide variant.
Coding change: c.10169C>G on transcript NM_152564.5 (MANE Select); coding-DNA position 10169, C replaced by G.
Protein change: p.Thr3390Arg; replaces threonine 3390 with arginine.
Molecular consequence: missense variant.
Genome position (GRCh38, 1-based): chr8:99,853,558, C>G. VCF-style: chr8-99853558-C-G. GRCh37 (hg19) VCF-style: chr8-100865786-C-G.
Other names: c.10244C>G, p.Thr3415Arg (NM_017890.5); short protein forms T3390R, T3415R.
Identifiers: ClinVar variation 2102338 (VCV002102338.4), dbSNP rs767783667, ClinGen allele CA371780929.

ClinVar aggregate classification (germline): Uncertain significance (1 of 4 stars; one submission).

Conditions:
Cohen syndrome (COH1). Also called: Cutis verticis gyrata, retinitis pigmentosa, and sensorineural deafness; PEPPER SYNDROME. Identifiers: Orphanet 193, MedGen C0265223, MONDO:0008999, OMIM 216550.

Allele frequency attached by ClinVar (database versions not stated): TOPMed below 0.00001.

Submission:

Labcorp Genetics (formerly Invitae), Labcorp
Classification: Uncertain significance for Cohen syndrome. Last evaluated: 2023-11-13. Review status: criteria provided, single submitter. Criteria: Invitae Variant Classification Sherloc (09022015). Collection method: clinical testing. Allele origin: germline.
Comment: This sequence change replaces threonine, which is neutral and polar, with arginine, which is basic and polar, at codon 3415 of the VPS13B protein (p.Thr3415Arg). This variant is not present in population databases (gnomAD no frequency). This variant has not been reported in the literature in individuals affected with VPS13B-related conditions. ClinVar contains an entry for this variant (Variation ID: 2102338). Advanced modeling of protein sequence and biophysical properties (such as structural, functional, and spatial information, amino acid conservation, physicochemical variation, residue mobility, and thermodynamic stability) performed at Invitae indicates that this missense variant is expected to disrupt VPS13B protein function with a positive predictive value of 80%. In summary, the available evidence is currently insufficient to determine the role of this variant in disease. Therefore, it has been classified as a Variant of Uncertain Significance.